The following is an entry in ClinVar:

NM_002202.3(ISL1):c.755A>G (p.Asn252Ser)

Gene: ISL1 (ISL LIM homeobox 1; plus strand). Cytogenetic location: 5q11.1.
Variant type: single nucleotide variant.
Coding change: c.755A>G on transcript NM_002202.3 (MANE Select); coding-DNA position 755, A replaced by G.
Protein change: p.Asn252Ser; replaces asparagine 252 with serine.
Molecular consequence: missense variant.
Genome position (GRCh38, 1-based): chr5:51,389,922, A>G. VCF-style: chr5-51389922-A-G. GRCh37 (hg19) VCF-style: chr5-50685756-A-G.
Other names: short protein forms N252S.
Identifiers: ClinVar variation 2633978 (VCV002633978.4), dbSNP rs121912286, ClinGen allele CA3261054.

ClinVar aggregate classification (germline): Uncertain significance (1 of 4 stars; one submission).

Conditions:
ISL1-related disorder. Also called: ISL1-related condition.

Allele frequency attached by ClinVar (database versions not stated): ESP Exome Variant Server 0.00039; ExAC 0.00051; gnomAD exomes 0.00051; gnomAD 0.00062; TOPMed 0.00079; 1000 Genomes Project 0.00080; 1000 Genomes Project 30x 0.00109.
gnomAD v4.1: 883 of 1,613,882 alleles (0.055%); highest among the groups gnomAD compares: Middle Eastern, 0.46%; no homozygotes.

Submission:

PreventionGenetics, part of Exact Sciences
Classification: Uncertain significance for ISL1-related condition. Last evaluated: 2026-09-21. Review status: criteria provided, single submitter. Criteria: ACMG Guidelines, 2015. Collection method: clinical testing. Allele origin: germline.
Comment: The ISL1 c.755A>G variant is predicted to result in the amino acid substitution p.Asn252Ser. This variant has been documented in the homozygous state in an individual with dilated cardiomyopathy (Friedrich et al. 2013. PubMed ID: 23152444). In addition, that study identified the p.Asn252Ser variant in 11 relatives in the heterozygous state, and it was postulated that the variant may be causing milder cardiac phenotypes such as hypertension, myocardial infarction, diastolic dysfunction, dizziness, or syncope in those carriers. However, this variant is reported in 0.22% of alleles in individuals of Ashkenazi Jewish descent in gnomAD, which may be too common to be causative. Although we suspect that this variant may be benign, at this time, the clinical significance of this variant is uncertain due to the absence of conclusive functional and genetic evidence.